The following is an entry in ClinVar:

ClinVar aggregate classification (germline): Benign/Likely benign. Review status: criteria provided, multiple submitters, no conflicts (2 of 4 stars). 5 submissions from 5 submitters: Benign (2); Likely benign (3). Last evaluated 2026-01-28.

Conditions:
Pancreatic adenocarcinoma. Identifiers: MedGen C0281361, MONDO:0006047, HP:0006725.
Pancreatic cancer, susceptibility to, 1. Identifiers: Orphanet 1333, MedGen C1847351, MONDO:0011739, OMIM 606856.

Allele frequency attached by ClinVar (database versions not stated): ExAC 0.00083; ESP Exome Variant Server 0.00085; gnomAD 0.00070 and 0.00072; TOPMed 0.00077; 1000 Genomes Project 30x 0.00078; gnomAD exomes 0.00078 and 0.00080; 1000 Genomes Project 0.00080.
gnomAD v4.1: 1,290 of 1,612,400 alleles (0.08%); highest among the groups gnomAD compares: Middle Eastern, 1.7%; 6 homozygotes.

Submissions (5):

Labcorp Genetics (formerly Invitae), Labcorp
Classification: Benign for Pancreatic adenocarcinoma. Last evaluated: 2026-01-28. Review status: criteria provided, single submitter. Criteria: Invitae Variant Classification Sherloc (09022015). Collection method: clinical testing. Allele origin: germline.

CeGaT Center for Human Genetics Tuebingen
Classification: Likely benign. Last evaluated: 2025-12-01. Review status: criteria provided, single submitter. Criteria: CeGaT Center For Human Genetics Tuebingen Variant Classification Criteria Version 2. Collection method: clinical testing. Allele origin: germline. Affected: yes. Observed: 3 variant alleles.
Comment: PALLD: BP4, BS1

Blueprint Genetics
Classification: Likely benign. Last evaluated: 2024-11-21. Review status: criteria provided, single submitter. Criteria: ACMG Guidelines, 2015. Collection method: clinical testing. Allele origin: germline.

KCCC/NGS Laboratory, Kuwait Cancer Control Center
Classification: Benign for Pancreatic cancer, susceptibility to, 1. Last evaluated: 2023-07-07. Review status: criteria provided, single submitter. Criteria: ACMG Guidelines, 2015. Collection method: clinical testing. Allele origin: germline. Affected: yes.

Illumina Laboratory Services, Illumina
Classification: Likely benign for Pancreatic cancer, susceptibility to, 1. Last evaluated: 2017-04-27. Review status: criteria provided, single submitter. Criteria: ICSL Variant Classification Criteria 13 December 2019. Collection method: clinical testing. Allele origin: germline.
Comment: This variant was observed as part of a predisposition screen in an ostensibly healthy population. A literature search was performed for the gene, cDNA change, and amino acid change (where applicable). No publications were found based on this search. Allele frequency data from public databases allowed determination this variant is unlikely to cause disease. Therefore, this variant is classified as likely benign.

NM_001166108.2(PALLD):c.2199+8G>A

Genes: CBR4 (carbonyl reductase 4; minus strand), PALLD (palladin, cytoskeletal associated protein; plus strand). Cytogenetic location: 4q32.3.
Variant type: single nucleotide variant.
Coding change: c.2199+8G>A on transcript NM_001166108.2 (MANE Select); 8 bases into the intron after coding-DNA position 2199, G replaced by A.
Molecular consequence: intron variant.
Genome position (GRCh38, 1-based): chr4:168,894,685, G>A. VCF-style: chr4-168894685-G-A. GRCh37 (hg19) VCF-style: chr4-169815836-G-A.
Other names: c.2199+8G>A (NM_016081.4); c.1053+8G>A (NM_001166109.2); c.738+8G>A (NM_001166110.2); c.78+8G>A (NM_001367570.1, NM_001367568.1, NM_001367567.1 and 1 more transcripts).
Identifiers: ClinVar variation 136011 (VCV000136011.51), dbSNP rs200060953, ClinGen allele CA332748.
Genomic context (GRCh38, chr4:168,894,685, plus strand): 5'-ACAGTGCAACTGTCTTTAATATTCAGGAGCCAGAAGAGGAAACAGCTAATCAGGTACCAT[G>A]TTGCTCTGGACTTCTTAGGGTAACATTTATTCTGTCCCCCTTTTCCATCTTCCTTATGGA-3'